The following is an entry in ClinVar:

ClinVar aggregate classification (germline): Likely benign (0 of 4 stars; one submission).

Conditions:
CACNA1G-related disorder. Also called: CACNA1G-related disorders; CACNA1G-related condition.

Allele frequency attached by ClinVar (database versions not stated): 1000 Genomes Project 0.00060; 1000 Genomes Project 30x 0.00062.
gnomAD v4.1: 158 of 1,613,856 alleles (0.0098%); highest among the groups gnomAD compares: East Asian, 0.34%; no homozygotes.

Submission:

PreventionGenetics, part of Exact Sciences
Classification: Likely benign for CACNA1G-related condition. Last evaluated: 2019-03-30. Review status: no assertion criteria provided. Collection method: clinical testing. Allele origin: germline.
Comment: This variant is classified as likely benign based on ACMG/AMP sequence variant interpretation guidelines (Richards et al. 2015 PMID: 25741868, with internal and published modifications).

NM_018896.5(CACNA1G):c.621G>T (p.Thr207=)

Gene: CACNA1G (calcium voltage-gated channel subunit alpha1 G; plus strand). Cytogenetic location: 17q21.33.
Variant type: single nucleotide variant.
Coding change: c.621G>T on transcript NM_018896.5 (MANE Select); coding-DNA position 621, G replaced by T.
Protein change: p.Thr207=; no amino-acid change (threonine 207 retained).
Molecular consequence: synonymous variant. On other transcripts: non-coding transcript variant (5).
Genome position (GRCh38, 1-based): chr17:50,571,912, G>T. VCF-style: chr17-50571912-G-T. GRCh37 (hg19) VCF-style: chr17-48649273-G-T.
Other names: c.621G>T, p.Thr207= (NM_001256324.2, NM_001256325.2, NM_001256326.2 and 24 more transcripts).
Identifiers: ClinVar variation 3047084 (VCV003047084.2), dbSNP rs556944469, ClinGen allele CA8651992.